The following is an entry in ClinVar:

NM_182699.4(DDX53):c.217G>C (p.Asp73His)

Genes: DDX53 (DEAD-box helicase 53; plus strand), PTCHD1-AS (PTCHD1 antisense RNA (head to head); minus strand). Cytogenetic location: Xp22.11.
Variant type: single nucleotide variant.
Coding change: c.217G>C on transcript NM_182699.4 (MANE Select); coding-DNA position 217, G replaced by C.
Protein change: p.Asp73His; replaces aspartic acid 73 with histidine.
Molecular consequence: missense variant.
Genome position (GRCh38, 1-based): chrX:23,000,274, G>C. VCF-style: chrX-23000274-G-C. GRCh37 (hg19) VCF-style: chrX-23018391-G-C.
Other names: short protein forms D73H.
Identifiers: ClinVar variation 2588910 (VCV002588910.4), dbSNP rs181028449, ClinGen allele CA10368715.

ClinVar aggregate classification (germline): Uncertain significance. Review status: criteria provided, single submitter (1 of 4 stars). 2 submissions from 2 submitters: Uncertain significance (1). 1 of the submissions does not count toward it. Last evaluated 2023-07-05.

Conditions:
DDX53-related disorder. Also called: DDX53-related condition.

Allele frequency attached by ClinVar (database versions not stated): gnomAD exomes 0.00010; gnomAD 0.00013; TOPMed 0.00017; ExAC 0.00022; 1000 Genomes Project 0.00053; 1000 Genomes Project 30x 0.00062.
gnomAD v4.1: 145 of 1,187,495 alleles (0.012%); highest among the groups gnomAD compares: East Asian, 0.34%; 2 homozygotes.

Submissions (2):

Ambry Genetics
Classification: Uncertain significance. Last evaluated: 2023-07-05. Review status: criteria provided, single submitter. Criteria: Ambry Variant Classification Scheme 2023. Collection method: clinical testing. Allele origin: germline.

PreventionGenetics, part of Exact Sciences
Classification: Likely benign for DDX53-related condition. Last evaluated: 2022-03-13. Review status: no assertion criteria provided. Collection method: clinical testing. Allele origin: germline. Not counted in ClinVar's aggregate classification.
Comment: This variant is classified as likely benign based on ACMG/AMP sequence variant interpretation guidelines (Richards et al. 2015 PMID: 25741868, with internal and published modifications).